The following is an entry in ClinVar:

ClinVar aggregate classification (germline): Pathogenic (1 of 4 stars; one submission).

Conditions:
Familial hemophagocytic lymphohistiocytosis 3 (FHL3). Also called: UNC13D-Related Familial Hemophagocytic Lymphohistiocytosis (UNC13D-fHLH). Identifiers: Orphanet 540, MedGen C1837174, MONDO:0012146, OMIM 608898.

Submission:

Labcorp Genetics (formerly Invitae), Labcorp
Classification: Pathogenic for Familial hemophagocytic lymphohistiocytosis 3. Last evaluated: 2022-11-25. Review status: criteria provided, single submitter. Criteria: Invitae Variant Classification Sherloc (09022015). Collection method: clinical testing. Allele origin: germline.
Comment: For these reasons, this variant has been classified as Pathogenic. Algorithms developed to predict the effect of sequence changes on RNA splicing suggest that this variant may disrupt the consensus splice site. This variant has not been reported in the literature in individuals affected with UNC13D-related conditions. This variant is not present in population databases (gnomAD no frequency). This sequence change creates a premature translational stop signal (p.Trp588*) in the UNC13D gene. It is expected to result in an absent or disrupted protein product. Loss-of-function variants in UNC13D are known to be pathogenic (PMID: 14622600).

Literature cited by the submitters: PubMed 14622600.

NM_199242.3(UNC13D):c.1763G>A (p.Trp588Ter)

Gene: UNC13D (unc-13 homolog D; minus strand). Cytogenetic location: 17q25.1.
Variant type: single nucleotide variant.
Coding change: c.1763G>A on transcript NM_199242.3 (MANE Select); coding-DNA position 1763, G replaced by A.
Protein change: p.Trp588Ter; replaces tryptophan 588 with a stop codon.
Molecular consequence: nonsense.
Genome position (GRCh38, 1-based): chr17:75,835,494, C>T on the plus strand (G>A on the coding strand, the complement: UNC13D is on the minus strand). VCF-style: chr17-75835494-C-T. GRCh37 (hg19) VCF-style: chr17-73831575-C-T.
Other names: short protein forms W588*.
Identifiers: ClinVar variation 2816692 (VCV002816692.3), dbSNP rs2545981358, ClinGen allele CA401092837.